The following is an entry in ClinVar:

NM_173348.2(FAM149B1):c.1551G>A (p.Arg517=)

Genes: DNAJC9 (DnaJ heat shock protein family (Hsp40) member C9; minus strand), FAM149B1 (family with sequence similarity 149 member B1; plus strand). Cytogenetic location: 10q22.2.
Variant type: single nucleotide variant.
Coding change: c.1551G>A on transcript NM_173348.2 (MANE Select); coding-DNA position 1551, G replaced by A.
Protein change: p.Arg517=; no amino-acid change (arginine 517 retained).
Molecular consequence: synonymous variant.
Genome position (GRCh38, 1-based): chr10:73,235,267, G>A. VCF-style: chr10-73235267-G-A. GRCh37 (hg19) VCF-style: chr10-74995025-G-A.
Identifiers: ClinVar variation 1711259 (VCV001711259.30), dbSNP rs375135630, ClinGen allele CA5552971.

ClinVar aggregate classification (germline): Likely benign (1 of 4 stars; one submission).

Allele frequency attached by ClinVar (database versions not stated): gnomAD 0.00004.
gnomAD v4.1: 172 of 1,551,954 alleles (0.011%); highest among the groups gnomAD compares: Non-Finnish European, 0.015%; no homozygotes.

Submission:

CeGaT Center for Human Genetics Tuebingen
Classification: Likely benign. Last evaluated: 2024-01-01. Review status: criteria provided, single submitter. Criteria: CeGaT Center For Human Genetics Tuebingen Variant Classification Criteria Version 2. Collection method: clinical testing. Allele origin: germline. Affected: yes. Observed: 2 variant alleles.
Comment: FAM149B1: BP4